The following is an entry in ClinVar:

NM_016139.4(CHCHD2):c.376C>T (p.Gln126Ter)

Gene: CHCHD2 (coiled-coil-helix-coiled-coil-helix domain containing 2; minus strand). Cytogenetic location: 7p11.2.
Variant type: single nucleotide variant.
Coding change: c.376C>T on transcript NM_016139.4 (MANE Select); coding-DNA position 376, C replaced by T.
Protein change: p.Gln126Ter; replaces glutamine 126 with a stop codon.
Molecular consequence: nonsense.
Genome position (GRCh38, 1-based): chr7:56,102,936, G>A on the plus strand (C>T on the coding strand, the complement: CHCHD2 is on the minus strand). VCF-style: chr7-56102936-G-A. GRCh37 (hg19) VCF-style: chr7-56170629-G-A.
Other names: c.376C>T, p.Gln126Ter (NM_001320327.2); short protein forms Q126*.
Identifiers: ClinVar variation 2743045 (VCV002743045.3), dbSNP rs763704645, ClinGen allele CA4270509.

ClinVar aggregate classification (germline): Uncertain significance (1 of 4 stars; one submission).

Allele frequency attached by ClinVar (database versions not stated): gnomAD exomes below 0.00001; ExAC 0.00001; TOPMed 0.00001; gnomAD 0.00003.
gnomAD v4.1: 11 of 1,613,986 alleles (0.00068%); highest among the groups gnomAD compares: South Asian, 0.0044%; no homozygotes.

Submission:

Labcorp Genetics (formerly Invitae), Labcorp
Classification: Uncertain significance. Last evaluated: 2023-11-19. Review status: criteria provided, single submitter. Criteria: Invitae Variant Classification Sherloc (09022015). Collection method: clinical testing. Allele origin: germline.
Comment: This sequence change creates a premature translational stop signal (p.Gln126*) in the CHCHD2 gene. It is expected to result in an absent or disrupted protein product. However, the current clinical and genetic evidence is not sufficient to establish whether loss-of-function variants in CHCHD2 cause disease. This variant is present in population databases (rs763704645, gnomAD 0.003%). This premature translational stop signal has been observed in individual(s) with Parkinson disease (PMID: 26764027). Algorithms developed to predict the effect of variants on protein structure and function are not available or were not evaluated for this variant. Experimental studies have shown that this premature translational stop signal affects CHCHD2 function (PMID: 30496485). In summary, the available evidence is currently insufficient to determine the role of this variant in disease. Therefore, it has been classified as a Variant of Uncertain Significance.

Literature cited by the submitters: PubMed 26764027; PubMed 30496485.